The following is an entry in ClinVar:

NM_001135659.1(NRXN1):c.-1273G>A

Gene: NRXN1 (neurexin 1; minus strand). Cytogenetic location: 2p16.3.
Variant type: single nucleotide variant.
Coding change: c.-1273G>A on transcript NM_001135659.1; 1273 bases upstream of the start codon, G replaced by A.
Genome position (GRCh38, 1-based): chr2:51,032,332, C>T on the plus strand (G>A on the coding strand, the complement: NRXN1 is on the minus strand). VCF-style: chr2-51032332-C-T. GRCh37 (hg19) VCF-style: chr2-51259470-C-T.
Identifiers: ClinVar variation 336585 (VCV000336585.29), dbSNP rs186103615, ClinGen allele CA10614149.

ClinVar aggregate classification (germline): Conflicting classifications of pathogenicity. Review status: criteria provided, conflicting classifications (1 of 4 stars). 2 submissions from 2 submitters: Uncertain significance (1); Likely benign (1). Last evaluated 2023-06-01.

Conditions:
Pitt-Hopkins-like syndrome 2 (PTHSL2). Identifiers: Orphanet 221150, Orphanet 600663, MedGen C3280479, MONDO:0013690, OMIM 614325.

Allele frequency attached by ClinVar (database versions not stated): gnomAD 0.00373 and 0.00382; gnomAD exomes 0.00265; 1000 Genomes Project 30x 0.00187; TOPMed 0.00395; 1000 Genomes Project 0.00200.

Submissions (2):

CeGaT Center for Human Genetics Tuebingen
Classification: Likely benign. Last evaluated: 2023-06-01. Review status: criteria provided, single submitter. Criteria: CeGaT Center For Human Genetics Tuebingen Variant Classification Criteria Version 2. Collection method: clinical testing. Allele origin: germline. Affected: yes. Observed: 5 variant alleles.
Comment: NRXN1: BS2

Illumina Laboratory Services, Illumina
Classification: Uncertain significance for Pitt-Hopkins-like syndrome 2. Last evaluated: 2018-01-12. Review status: criteria provided, single submitter. Criteria: ICSL Variant Classification Criteria 13 December 2019. Collection method: clinical testing. Allele origin: germline.